The following is an entry in ClinVar:

NM_001130144.3(LTBP3):c.640C>T (p.Pro214Ser)

Gene: LTBP3 (latent transforming growth factor beta binding protein 3; minus strand). Cytogenetic location: 11q13.1.
Variant type: single nucleotide variant.
Coding change: c.640C>T on transcript NM_001130144.3 (MANE Select); coding-DNA position 640, C replaced by T.
Protein change: p.Pro214Ser; replaces proline 214 with serine.
Molecular consequence: missense variant.
Genome position (GRCh38, 1-based): chr11:65,554,072, G>A on the plus strand (C>T on the coding strand, the complement: LTBP3 is on the minus strand). VCF-style: chr11-65554072-G-A. GRCh37 (hg19) VCF-style: chr11-65321543-G-A.
Other names: c.289C>T, p.Pro97Ser (NM_001164266.1); c.640C>T, p.Pro214Ser (NM_021070.4); short protein forms P214S, P97S.
Identifiers: ClinVar variation 4729562 (VCV004729562.1).
Genomic context (GRCh38, chr11:65,554,072, plus strand): 5'-CCACTGGCGACCTTCCCGGGTTTGCCAGTTGCCTGGTACCTTCTGCTGAGATCTGTCCCG[G>A]GCCTAGGGGCACCAGGAAGGCTGCGTGCTGGGCAGGAGGCCCCTCCCCGGGCCCAGGAGG-3'
Protein context (NP_001123616.1, residues 204-224): QHAAFLVPLG[Pro214Ser]GQISAEVQAP

ClinVar aggregate classification (germline): Uncertain significance (1 of 4 stars; one submission).

Conditions:
Brachyolmia-amelogenesis imperfecta syndrome. Also called: PLATYSPONDYLY WITH AMELOGENESIS IMPERFECTA; Tooth agenesis, selective, 6; Dental anomalies and short stature. Identifiers: Orphanet 2899, MedGen C1832594, MONDO:0011018, OMIM 601216. Disease mechanism: loss of function.

Submission:

Labcorp Genetics (formerly Invitae), Labcorp
Classification: Uncertain significance for Brachyolmia-amelogenesis imperfecta syndrome. Last evaluated: 2025-12-06. Review status: criteria provided, single submitter. Criteria: Invitae Variant Classification Sherloc (09022015). Collection method: clinical testing. Allele origin: germline.
Comment: This sequence change replaces proline, which is neutral and non-polar, with serine, which is neutral and polar, at codon 214 of the LTBP3 protein (p.Pro214Ser). This variant is not present in population databases (gnomAD no frequency). This variant has not been reported in the literature in individuals affected with LTBP3-related conditions. An algorithm developed to predict the effect of missense changes on protein structure and function (PolyPhen-2) suggests that this variant is likely to be disruptive. In summary, the available evidence is currently insufficient to determine the role of this variant in disease. Therefore, it has been classified as a Variant of Uncertain Significance.